The following is an entry in ClinVar:

ClinVar aggregate classification (germline): Uncertain significance (1 of 4 stars; one submission).

Conditions:
Renal coloboma syndrome (PAPRS). Also called: PAPILLORENAL SYNDROME WITH MILD OCULAR ABNORMALITIES; CONGENITAL ANOMALIES OF THE KIDNEY AND URINARY TRACT WITH OR WITHOUT OCULAR ABNORMALITIES; CAKUT WITH OR WITHOUT OCULAR ABNORMALITIES; OPTIC COLOBOMA, VESICOURETERAL REFLUX, AND RENAL ANOMALIES; OPTIC NERVE COLOBOMA WITH RENAL DISEASE; RENAL-COLOBOMA SYNDROME WITH MACULAR ABNORMALITIES. Identifiers: Orphanet 1475, MedGen C1852759, MONDO:0007352, OMIM 120330.
Focal segmental glomerulosclerosis 7 (FSGS7). Identifiers: Orphanet 656, MedGen C4014925, MONDO:0014451, OMIM 616002.

Submission:

Juno Genomics, Hangzhou Juno Genomics, Inc
Classification: Uncertain significance for Focal segmental glomerulosclerosis 7; Renal coloboma syndrome. Review status: criteria provided, single submitter. Criteria: ACMG Guidelines, 2015. Collection method: clinical testing. Allele origin: germline.
Comment: Absent from controls (or at extremely low frequency if recessive) in Genome Aggregation Database.

NM_000278.5(PAX2):c.10C>G (p.His4Asp)

Gene: PAX2 (paired box 2; plus strand). Cytogenetic location: 10q24.31.
Variant type: single nucleotide variant.
Coding change: c.10C>G on transcript NM_000278.5 (MANE Select); coding-DNA position 10, C replaced by G.
Protein change: p.His4Asp; replaces histidine 4 with aspartic acid.
Molecular consequence: missense variant.
Genome position (GRCh38, 1-based): chr10:100,746,270, C>G. VCF-style: chr10-100746270-C-G. GRCh37 (hg19) VCF-style: chr10-102506027-C-G.
Other names: c.103C>G, p.His35Asp (NM_001304569.2, NM_001374303.1); c.10C>G, p.His4Asp (NM_003987.5, NM_003988.5, NM_003989.5 and 1 more transcripts); short protein forms H35D, H4D.
Identifiers: ClinVar variation 5018682 (VCV005018682.2).